The following is an entry in ClinVar:

NM_020822.3(KCNT1):c.*13C>T

Gene: KCNT1 (potassium sodium-activated channel subfamily T member 1; plus strand). Cytogenetic location: 9q34.3.
Variant type: single nucleotide variant.
Coding change: c.*13C>T on transcript NM_020822.3 (MANE Select); 13 bases downstream of the stop codon, C replaced by T.
Molecular consequence: 3 prime UTR variant.
Genome position (GRCh38, 1-based): chr9:135,792,174, C>T. VCF-style: chr9-135792174-C-T. GRCh37 (hg19) VCF-style: chr9-138684020-C-T.
Other names: c.*13C>T (NM_001272003.2).
Identifiers: ClinVar variation 387529 (VCV000387529.1), dbSNP rs373376689, ClinGen allele CA5328035.

ClinVar aggregate classification (germline): Likely benign (1 of 4 stars; one submission).

Allele frequency attached by ClinVar (database versions not stated): gnomAD exomes 0.00002 and 0.00009; gnomAD 0.00005; ExAC 0.00007; TOPMed 0.00008; ESP Exome Variant Server 0.00015.

Submission:

GeneDx
Classification: Likely benign. Last evaluated: 2016-07-01. Review status: criteria provided, single submitter. Criteria: GeneDx Variant Classification (06012015). Collection method: clinical testing. Allele origin: germline. Affected: yes.
Comment: This variant is considered likely benign or benign based on one or more of the following criteria: it is a conservative change, it occurs at a poorly conserved position in the protein, it is predicted to be benign by multiple in silico algorithms, and/or has population frequency not consistent with disease.